The following is an entry in ClinVar:

ClinVar aggregate classification (germline): Pathogenic. Review status: reviewed by expert panel (3 of 4 stars). 7 submissions from 5 submitters: Pathogenic (1). 6 of the submissions do not count toward it. Last evaluated 2025-01-30.

Conditions:
Retinal dystrophy. Also called: Inherited retinal dystrophy. Identifiers: Orphanet 71862, MedGen C0854723, MeSH D058499, MONDO:0019118, HP:0000556.
GUCY2D-related disorder. Also called: GUCY2D-related condition.
Cone-rod dystrophy 6 (CORD6). Also called: RETINAL CONE DYSTROPHY 2; Cone dystrophy progressive. Identifiers: Orphanet 1872, MedGen C1866293, MONDO:0011143, OMIM 601777.
Leber congenital amaurosis 1 (LCA1). Also called: RETINAL BLINDNESS, CONGENITAL; AMAUROSIS CONGENITA OF LEBER I; Congenital absence of the rods and cones; Leber's congenital tapetoretinal degeneration; Leber's congenital tapetoretinal dysplasia. Identifiers: Orphanet 65, MedGen C2931258, MONDO:0008764, OMIM 204000.
Choroidal dystrophy, central areolar, 1. Identifiers: Orphanet 75377, MedGen C4551884, MONDO:0024539, OMIM 215500.
GUCY2D-related recessive retinopathy. Also called: Recessive GUCY2D retinopathy. Identifiers: MedGen CN305603, MONDO:0100453.

Allele frequency attached by ClinVar (database versions not stated): TOPMed 0.00002; gnomAD 0.00001.
gnomAD v4.1: 5 of 1,588,950 alleles (0.00031%); highest among the groups gnomAD compares: Non-Finnish European, 0.00035%; no homozygotes.

Submissions (7):

ClinGen Leber Congenital Amaurosis/early Onset Retinal Dystrophy Variant Curation Expert Panel, ClinGen
Classification: Pathogenic for GUCY2D-related recessive retinopathy. Last evaluated: 2025-01-30. Review status: reviewed by expert panel. Criteria: ClinGen LCAeoRD ACMG Specifications GUCY2D V1.0.0. Collection method: curation. Allele origin: germline. Inheritance: Autosomal recessive inheritance.
Comment: NM_000180.4(GUCY2D):c.1561C>T (p.Arg521Ter) is a nonsense variant that introduces a premature stop codon into exon 6 of 20, and is predicted to lead to nonsense-mediated decay in a gene in which loss-of-function is an established mechanism of disease (PVS1). This variant is present in gnomAD v.4.1.0 at a total allele frequency of 0.000003147, with 5 alleles / 1,588,950 total alleles, which is lower than the ClinGen LCA/eoRD VCEP PM2_Supporting threshold of <0.0004 (PM2_Supporting). This variant has been reported in 2 probands with early-onset severe retinal dystrophy who were homozygous for the variant. Because these two probands may be related only 1 is counted towards PM3 (0.5 points, PM3_Supporting; PMIDs: 26626312, 36819107). In summary, this variant meets the criteria to be classified as Pathogenic for GUCY2D-related recessive retinopathy based on the ACMG/AMP criteria applied, as specified by the ClinGen LCA/eoRD VCEP: PVS1, PM2_Supporting, PM3_Supporting. (VCEP specifications version 1.0.0; date of approval 01/22/2025).

3billion
Classification: Pathogenic for GUCY2D-related disorder. Last evaluated: 2025-12-24. Review status: criteria provided, single submitter. Criteria: ACMG Guidelines, 2015. Collection method: clinical testing. Allele origin: germline. Affected: yes. Not counted in ClinVar's aggregate classification.
Comment: The variant is observed at an extremely low frequency in the gnomAD v4.1.0 dataset (total allele frequency: <0.001%). Predicted Consequence/Location: Stop-gained (nonsense): predicted to result in a loss or disruption of normal protein function through nonsense-mediated decay (NMD) or protein truncation. Multiple pathogenic variants are reported downstream of the variant. The variant has been reported multiple times as an established pathogenic variant (ClinVar ID: VCV000638494 /PMID: 26626312). Therefore, this variant is classified as Pathogenic according to the recommendation of ACMG/AMP guideline.

Genomic Research Center, Shahid Beheshti University of Medical Sciences
Classification: Pathogenic for Leber congenital amaurosis 1. Last evaluated: 2019-04-27. Review status: criteria provided, single submitter. Criteria: ACMG Guidelines, 2015. Collection method: clinical testing. Allele origin: inherited. Affected: yes. Not counted in ClinVar's aggregate classification.

Genomic Research Center, Shahid Beheshti University of Medical Sciences
Classification: Pathogenic for Cone-rod dystrophy 6. Last evaluated: 2019-04-27. Review status: criteria provided, single submitter. Criteria: ACMG Guidelines, 2015. Collection method: clinical testing. Allele origin: inherited. Affected: yes. Not counted in ClinVar's aggregate classification.

Genomic Research Center, Shahid Beheshti University of Medical Sciences
Classification: Pathogenic for Choroidal sclerosis. Last evaluated: 2019-04-27. Review status: criteria provided, single submitter. Criteria: ACMG Guidelines, 2015. Collection method: clinical testing. Allele origin: inherited. Affected: yes. Not counted in ClinVar's aggregate classification.

Institute of Human Genetics, Univ. Regensburg, Univ. Regensburg
Classification: Pathogenic for Retinal dystrophy. Last evaluated: 2018-01-01. Review status: criteria provided, single submitter. Criteria: ACMG Guidelines, 2015. Collection method: clinical testing. Allele origin: germline. Affected: yes. Not counted in ClinVar's aggregate classification.

Laboratory of Genetics in Ophthalmology, Institut Imagine
Classification: Pathogenic for Leber congenital amaurosis 1. Review status: no assertion criteria provided. Collection method: research. Allele origin: inherited. Affected: yes. Observed: 2 variant alleles. Not counted in ClinVar's aggregate classification.

Literature cited by the submitters: PubMed 26626312 (cited by 3 submitters); PubMed 36819107 (cited by Institute of Human Genetics, Univ. Regensburg, Univ. Regensburg).

NM_000180.4(GUCY2D):c.1561C>T (p.Arg521Ter)

Gene: GUCY2D (guanylate cyclase 2D, retinal; plus strand). Cytogenetic location: 17p13.1.
Variant type: single nucleotide variant.
Coding change: c.1561C>T on transcript NM_000180.4 (MANE Select); coding-DNA position 1561, C replaced by T.
Protein change: p.Arg521Ter; replaces arginine 521 with a stop codon.
Molecular consequence: nonsense.
Genome position (GRCh38, 1-based): chr17:8,007,523, C>T. VCF-style: chr17-8007523-C-T. GRCh37 (hg19) VCF-style: chr17-7910841-C-T.
Other names: NM_000180.4(GUCY2D):c.1561C>T; p.Arg521Ter; short protein forms R521*.
Identifiers: ClinVar variation 638494 (VCV000638494.6), dbSNP rs748798324, ClinGen allele CA287525681.